The following is an entry in ClinVar:

ClinVar aggregate classification (germline): Likely pathogenic (1 of 4 stars; one submission).

Conditions:
Developmental and epileptic encephalopathy, 18 (DEE18). Also called: Early infantile epileptic encephalopathy 18. Identifiers: Orphanet 369894, MedGen C3809624, MONDO:0014201, OMIM 615476.

gnomAD v4.1: 1 of 1,608,380 alleles (0.000062%); no homozygotes.

Submission:

Dasa
Classification: Likely pathogenic for Developmental and epileptic encephalopathy, 18. Last evaluated: 2022-11-03. Review status: criteria provided, single submitter. Criteria: ACMG Guidelines, 2015. Collection method: clinical testing. Allele origin: germline. Affected: no. Observed: 1 variant allele.
Comment: The c.6899T>A;p.(Leu2300*) variant creates a premature translational stop signal in the SZT2 gene. It is expected to result in an absent or disrupted protein product - PVS1. The variant is present at low allele frequencies population databases (rs374964399 – gnomAD 0.000006572%; ABraOM 0.001281 frequency) - PM2_supporting. In summary, the currently available evidence indicates that the variant is likely pathogenic.

NM_001365999.1(SZT2):c.7070T>A (p.Leu2357Ter)

Gene: SZT2 (SZT2 subunit of KICSTOR complex; plus strand). Cytogenetic location: 1p34.2.
Variant type: single nucleotide variant.
Coding change: c.7070T>A on transcript NM_001365999.1 (MANE Select); coding-DNA position 7070, T replaced by A.
Protein change: p.Leu2357Ter; replaces leucine 2357 with a stop codon.
Molecular consequence: nonsense.
Genome position (GRCh38, 1-based): chr1:43,439,908, T>A. VCF-style: chr1-43439908-T-A. GRCh37 (hg19) VCF-style: chr1-43905579-T-A.
Other names: c.6899T>A, p.Leu2300Ter (NM_015284.4); short protein forms L2300*, L2357*.
Identifiers: ClinVar variation 1723227 (VCV001723227.2), dbSNP rs374964399, ClinGen allele CA21645360.